The following is an entry in ClinVar:

NM_000531.6(OTC):c.196A>C (p.Arg66=)

Gene: OTC (ornithine transcarbamylase; plus strand). Cytogenetic location: Xp11.4.
Variant type: single nucleotide variant.
Coding change: c.196A>C on transcript NM_000531.6 (MANE Select); coding-DNA position 196, A replaced by C.
Protein change: p.Arg66=; no amino-acid change (arginine 66 retained).
Molecular consequence: synonymous variant.
Genome position (GRCh38, 1-based): chrX:38,367,409, A>C. VCF-style: chrX-38367409-A-C. GRCh37 (hg19) VCF-style: chrX-38226662-A-C.
Identifiers: ClinVar variation 1122048 (VCV001122048.10), dbSNP rs369756595, ClinGen allele CA10385796.

ClinVar aggregate classification (germline): Likely benign. Review status: criteria provided, multiple submitters, no conflicts (2 of 4 stars). 3 submissions from 3 submitters: Likely benign (3). Last evaluated 2024-08-13.

Conditions:
Ornithine carbamoyltransferase deficiency (OTCD). Also called: Ornithine Carbamoyltransferase Deficiency Disease; ORNITHINE TRANSCARBAMYLASE DEFICIENCY; ORNITHINE TRANSCARBAMYLASE DEFICIENCY, HYPERAMMONEMIA DUE TO; OTC DEFICIENCY. Identifiers: Orphanet 664, MedGen C0268542, MONDO:0010703, OMIM 311250.

Allele frequency attached by ClinVar (database versions not stated): gnomAD exomes below 0.00001 and 0.00002; ExAC 0.00002; gnomAD 0.00003; TOPMed 0.00003; ESP Exome Variant Server 0.00019.
gnomAD v4.1: 5 of 1,203,378 alleles (0.00042%); highest among the groups gnomAD compares: African/African-American, 0.0088%; no homozygotes.

Submissions (3):

All of Us Research Program, National Institutes of Health
Classification: Likely benign for Ornithine carbamoyltransferase deficiency. Last evaluated: 2024-08-13. Review status: criteria provided, single submitter. Criteria: ACMG Guidelines, 2015. Collection method: clinical testing. Allele origin: germline. Inheritance: X-linked inheritance. Observed: 1 variant allele, 1 heterozygote.
Comment: This study involves interpretation of variants in research participants for the purpose of population health screening. Participant phenotype was not available at the time of variant classification. Additional details can be found in publication PMID: 35346344, PMCID: PMC8962531

Labcorp Genetics (formerly Invitae), Labcorp
Classification: Likely benign for Ornithine carbamoyltransferase deficiency. Last evaluated: 2023-05-27. Review status: criteria provided, single submitter. Criteria: Invitae Variant Classification Sherloc (09022015). Collection method: clinical testing. Allele origin: germline.

Color Diagnostics, LLC DBA Color Health
Classification: Likely benign for Ornithine carbamoyltransferase deficiency. Last evaluated: 2022-04-21. Review status: criteria provided, single submitter. Criteria: ACMG Guidelines, 2015. Collection method: clinical testing. Allele origin: germline.